The following is an entry in ClinVar:

ClinVar aggregate classification (germline): Uncertain significance (1 of 4 stars; one submission).

Conditions:
Catecholaminergic polymorphic ventricular tachycardia 1. Also called: VENTRICULAR TACHYCARDIA, CATECHOLAMINERGIC POLYMORPHIC, 1, WITH OR WITHOUT ATRIAL DYSFUNCTION AND/OR DILATED CARDIOMYOPATHY; VENTRICULAR TACHYCARDIA, STRESS-INDUCED POLYMORPHIC 1; RYR2-Related Catecholaminergic Polymorphic Ventricular Tachycardia. Identifiers: Orphanet 3286, MedGen C1631597, MONDO:0011484, OMIM 604772.

Allele frequency attached by ClinVar (database versions not stated): gnomAD exomes below 0.00001.
gnomAD v4.1: 1 of 1,459,346 alleles (0.000069%); highest among the groups gnomAD compares: Non-Finnish European, 0.000091%; no homozygotes.

Submission:

Labcorp Genetics (formerly Invitae), Labcorp
Classification: Uncertain significance for Catecholaminergic polymorphic ventricular tachycardia 1. Last evaluated: 2018-03-28. Review status: criteria provided, single submitter. Criteria: Invitae Variant Classification Sherloc (09022015). Collection method: clinical testing. Allele origin: germline.
Comment: In summary, the available evidence is currently insufficient to determine the role of this variant in disease. Therefore, it has been classified as a Variant of Uncertain Significance. Algorithms developed to predict the effect of missense changes on protein structure and function output the following: SIFT: "Tolerated"; PolyPhen-2: "Benign"; Align-GVGD: "Class C0". The lysine amino acid residue is found in multiple mammalian species, suggesting that this missense change does not adversely affect protein function. These predictions have not been confirmed by published functional studies and their clinical significance is uncertain. This variant has not been reported in the literature in individuals with TRDN-related disease. This variant is not present in population databases (ExAC no frequency). This sequence change replaces arginine with lysine at codon 139 of the TRDN protein (p.Arg139Lys). The arginine residue is weakly conserved and there is a small physicochemical difference between arginine and lysine.

NM_006073.4(TRDN):c.416G>A (p.Arg139Lys)

Gene: TRDN (triadin; minus strand). Cytogenetic location: 6q22.31.
Variant type: single nucleotide variant.
Coding change: c.416G>A on transcript NM_006073.4 (MANE Select); coding-DNA position 416, G replaced by A.
Protein change: p.Arg139Lys; replaces arginine 139 with lysine.
Molecular consequence: missense variant.
Genome position (GRCh38, 1-based): chr6:123,547,348, C>T on the plus strand (G>A on the coding strand, the complement: TRDN is on the minus strand). VCF-style: chr6-123547348-C-T. GRCh37 (hg19) VCF-style: chr6-123868493-C-T.
Other names: c.416G>A, p.Arg139Lys (NM_001251987.2, NM_001256020.2, NM_001256021.2 and 1 more transcripts); short protein forms R139K.
Identifiers: ClinVar variation 579423 (VCV000579423.10), dbSNP rs1562379256, ClinGen allele CA365568569.